The following is an entry in ClinVar:

ClinVar aggregate classification (germline): Likely benign. Review status: criteria provided, multiple submitters, no conflicts (2 of 4 stars). 8 submissions from 8 submitters: Likely benign (8). Last evaluated 2026-08-10.

Conditions:
Jervell and Lange-Nielsen syndrome 1 (JLNS1). Also called: SURDO-CARDIAC SYNDROME; CARDIOAUDITORY SYNDROME OF JERVELL AND LANGE-NIELSEN; DEAFNESS, CONGENITAL, AND FUNCTIONAL HEART DISEASE; PROLONGED QT INTERVAL IN EKG AND SUDDEN DEATH. Identifiers: Orphanet 768, Orphanet 90647, MedGen C4551509, MONDO:0024540, OMIM 220400.
Short QT syndrome type 2. Identifiers: Orphanet 51083, MedGen C1865019, MONDO:0012313, OMIM 609621.
Long QT syndrome 1 (LQT1). Identifiers: Orphanet 101016, Orphanet 768, MedGen C4551647, MONDO:0100316, OMIM 192500, MONDO:0008646.
Atrial fibrillation, familial, 3 (ATFB3). Identifiers: MedGen C1837014, MONDO:0011857, OMIM 607554.
Beckwith-Wiedemann syndrome (BWS). Also called: Exomphalos macroglossia gigantism syndrome; EMG SYNDROME. Identifiers: Orphanet 116, MedGen C0004903, MONDO:0007534, OMIM 130650.
Long QT syndrome (LQTS). Identifiers: MedGen C0023976, MeSH D008133, MONDO:0002442. Disease mechanism: loss of function. Inheritance: Various modes of inheritance.
KCNQ1-related disorder. Also called: KCNQ1-related disorders; KCNQ1-related condition. Identifiers: MedGen CN239322.
Cardiac arrhythmia. Also called: Arrhythmia; Cardiac rhythm disease. Identifiers: MedGen C0003811, MONDO:0007263, HP:0011675.
Cardiovascular phenotype. Identifiers: MedGen CN230736.

Allele frequency attached by ClinVar (database versions not stated): gnomAD exomes 0.00006 and 0.00008; TOPMed 0.00007; gnomAD 0.00009 and 0.00011; ExAC 0.00012; 1000 Genomes Project 0.00060; 1000 Genomes Project 30x 0.00078.
gnomAD v4.1: 99 of 1,614,214 alleles (0.0061%); highest among the groups gnomAD compares: East Asian, 0.027%; no homozygotes.

Submissions (8):

PreventionGenetics, part of Exact Sciences
Classification: Likely benign for KCNQ1-related condition. Last evaluated: 2026-08-10. Review status: criteria provided, single submitter. Criteria: ACMG Guidelines, 2015. Collection method: clinical testing. Allele origin: germline.
Comment: This variant is classified as likely benign based on ACMG/AMP sequence variant interpretation guidelines (Richards et al. 2015 PMID: 25741868, with internal and published modifications).

Labcorp Genetics (formerly Invitae), Labcorp
Classification: Likely benign for Long QT syndrome. Last evaluated: 2026-01-15. Review status: criteria provided, single submitter. Criteria: Invitae Variant Classification Sherloc (09022015). Collection method: clinical testing. Allele origin: germline.

All of Us Research Program, National Institutes of Health
Classification: Likely benign for Long QT syndrome. Last evaluated: 2024-01-11. Review status: criteria provided, single submitter. Criteria: ACMG Guidelines, 2015. Collection method: clinical testing. Allele origin: germline. Inheritance: Autosomal dominant inheritance. Observed: 17 variant alleles, 17 heterozygotes.
Comment: This study involves interpretation of variants in research participants for the purpose of population health screening. Participant phenotype was not available at the time of variant classification. Additional details can be found in publication PMID: 35346344, PMCID: PMC8962531

Blueprint Genetics
Classification: Likely benign. Last evaluated: 2022-11-29. Review status: criteria provided, single submitter. Criteria: ACMG Guidelines, 2015. Collection method: clinical testing. Allele origin: germline.

Fulgent Genetics
Classification: Likely benign for Beckwith-Wiedemann syndrome; Long QT syndrome 1; Jervell and Lange-Nielsen syndrome 1; Atrial fibrillation, familial, 3; Short QT syndrome type 2. Last evaluated: 2021-07-27. Review status: criteria provided, single submitter. Criteria: ACMG Guidelines, 2015. Collection method: clinical testing. Allele origin: unknown.

Ambry Genetics
Classification: Likely benign for Cardiovascular phenotype. Last evaluated: 2019-05-03. Review status: criteria provided, single submitter. Criteria: Ambry Variant Classification Scheme 2023. Collection method: clinical testing. Allele origin: germline.

Color Diagnostics, LLC DBA Color Health
Classification: Likely benign for Arrhythmia. Last evaluated: 2018-10-30. Review status: criteria provided, single submitter. Criteria: ACMG Guidelines, 2015. Collection method: clinical testing. Allele origin: germline.

GeneDx
Classification: Likely benign. Last evaluated: 2018-01-02. Review status: criteria provided, single submitter. Criteria: GeneDx Variant Classification (06012015). Collection method: clinical testing. Allele origin: germline. Affected: yes.
Comment: This variant is considered likely benign or benign based on one or more of the following criteria: it is a conservative change, it occurs at a poorly conserved position in the protein, it is predicted to be benign by multiple in silico algorithms, and/or has population frequency not consistent with disease.

NM_000218.3(KCNQ1):c.1458C>T (p.Ala486=)

Genes: KCNQ1 (potassium voltage-gated channel subfamily Q member 1; plus strand), KCNQ1OT1 (KCNQ1 opposite strand/antisense transcript 1; minus strand). Cytogenetic location: 11p15.5.
Variant type: single nucleotide variant.
Coding change: c.1458C>T on transcript NM_000218.3 (MANE Select); coding-DNA position 1458, C replaced by T.
Protein change: p.Ala486=; no amino-acid change (alanine 486 retained).
Molecular consequence: synonymous variant.
Genome position (GRCh38, 1-based): chr11:2,662,025, C>T. VCF-style: chr11-2662025-C-T. GRCh37 (hg19) VCF-style: chr11-2683255-C-T.
Other names: c.1362C>T, p.Ala454= (NM_001406836.1); c.1188C>T, p.Ala396= (NM_001406837.1); c.918C>T, p.Ala306= (NM_001406838.1); c.1077C>T, p.Ala359= (NM_181798.2).
Identifiers: ClinVar variation 516127 (VCV000516127.22), dbSNP rs200275211, ClinGen allele CA029993.